The following is an entry in ClinVar:

NM_000051.4(ATM):c.4658A>C (p.Glu1553Ala)

Gene: ATM (ATM serine/threonine kinase; plus strand). Cytogenetic location: 11q22.3.
Variant type: single nucleotide variant.
Coding change: c.4658A>C on transcript NM_000051.4 (MANE Select); coding-DNA position 4658, A replaced by C.
Protein change: p.Glu1553Ala; replaces glutamic acid 1553 with alanine.
Molecular consequence: missense variant.
Genome position (GRCh38, 1-based): chr11:108,293,359, A>C. VCF-style: chr11-108293359-A-C. GRCh37 (hg19) VCF-style: chr11-108164086-A-C.
Other names: c.4658A>C, p.Glu1553Ala (NM_001351834.2); short protein forms E1553A.
Identifiers: ClinVar variation 133620 (VCV000133620.39), dbSNP rs587778075, ClinGen allele CA157122.

ClinVar aggregate classification (germline): Conflicting classifications of pathogenicity. Review status: criteria provided, conflicting classifications (1 of 4 stars). 13 submissions from 13 submitters: Uncertain significance (8); Likely benign (2). 3 of the submissions do not count toward it. Last evaluated 2025-12-21.

Conditions:
ATM-related cancer predisposition. Also called: ATM-related cancer susceptibility. Identifiers: MedGen CN377759, MONDO:0700270.
Hereditary cancer-predisposing syndrome. Also called: Neoplastic Syndromes, Hereditary; Hereditary Cancer Syndrome; Tumor predisposition; Hereditary neoplastic syndrome. Identifiers: Orphanet 140162, MedGen C0027672, MeSH D009386, MONDO:0015356.
Familial cancer of breast. Also called: BREAST CANCER, FAMILIAL; Hereditary breast cancer; hereditary breast carcinoma. Identifiers: Orphanet 227535, MedGen C0346153, MONDO:0016419, OMIM 114480. Disease mechanism: loss of function.
Ataxia-telangiectasia syndrome (AT). Also called: LOUIS-BAR SYNDROME; Cerebello-oculocutaneous telangiectasia; Immunodeficiency with ataxia telangiectasia; Ataxia-telangiectasia, complementation group D; AT, COMPLEMENTATION GROUP C; ATAXIA-TELANGIECTASIA, COMPLEMENTATION GROUP A. Identifiers: Orphanet 100, MedGen C0004135, MONDO:0008840, OMIM 208900.

Allele frequency attached by ClinVar (database versions not stated): gnomAD 0.00007; gnomAD exomes below 0.00001 and 0.00001; ExAC 0.00001; TOPMed 0.00006.
gnomAD v4.1: 23 of 1,592,882 alleles (0.0014%); highest among the groups gnomAD compares: African/African-American, 0.027%; no homozygotes.

Submissions (13):

Labcorp Genetics (formerly Invitae), Labcorp
Classification: Uncertain significance for Ataxia-telangiectasia syndrome. Last evaluated: 2025-12-21. Review status: criteria provided, single submitter. Criteria: Invitae Variant Classification Sherloc (09022015). Collection method: clinical testing. Allele origin: germline.
Comment: This sequence change replaces glutamic acid, which is acidic and polar, with alanine, which is neutral and non-polar, at codon 1553 of the ATM protein (p.Glu1553Ala). This variant is present in population databases (rs587778075, gnomAD 0.01%). This missense change has been observed in individual(s) with ATM-related conditions (PMID: 25186627, 35534704, 35980532). ClinVar contains an entry for this variant (Variation ID: 133620). Invitae Evidence Modeling of protein sequence and biophysical properties (such as structural, functional, and spatial information, amino acid conservation, physicochemical variation, residue mobility, and thermodynamic stability) indicates that this missense variant is not expected to disrupt ATM protein function with a negative predictive value of 95%. In summary, the available evidence is currently insufficient to determine the role of this variant in disease. Therefore, it has been classified as a Variant of Uncertain Significance.

Dasa
Classification: Uncertain significance for ATM-related cancer predisposition. Last evaluated: 2025-05-20. Review status: criteria provided, single submitter. Criteria: DASA Assertion Criteria. Collection method: clinical testing. Allele origin: germline.
Comment: NM_000051.4(ATM):c.4658A>C (p.Glu1553Ala) is a missense variant that results in the substitution of glutamic acid with alanine. This variant is rare in population databases. Computational prediction algorithms are consistent with a benign effect. The currently available literature and clinical evidence are not sufficient to establish a definitive association between this variant and the reported condition. Therefore, this variant is classified as a variant of uncertain significance.

Ambry Genetics
Classification: Likely benign for Hereditary cancer-predisposing syndrome. Last evaluated: 2025-04-18. Review status: criteria provided, single submitter. Criteria: Ambry Variant Classification Scheme 2023. Collection method: clinical testing. Allele origin: germline.

Color Diagnostics, LLC DBA Color Health
Classification: Uncertain significance for Hereditary cancer-predisposing syndrome. Last evaluated: 2024-12-17. Review status: criteria provided, single submitter. Criteria: ACMG Guidelines, 2015. Collection method: clinical testing. Allele origin: germline.
Comment: This missense variant replaces glutamic acid with alanine at codon 1553 of the ATM protein. Computational prediction suggests that this variant may not impact protein structure and function. To our knowledge, functional studies have not been reported for this variant. This variant has been reported in an individual affected with breast cancer (PMID: 25186627) and in an unaffected individual (PMID: 24728327). This variant has been identified in 3/280194 chromosomes in the general population by the Genome Aggregation Database (gnomAD). The available evidence is insufficient to determine the role of this variant in disease conclusively. Therefore, this variant is classified as a Variant of Uncertain Significance.

GeneDx
Classification: Uncertain significance. Last evaluated: 2024-10-21. Review status: criteria provided, single submitter. Criteria: GeneDx Variant Classification Process June 2021. Collection method: clinical testing. Allele origin: germline. Affected: yes.
Comment: Not observed at significant frequency in large population cohorts (gnomAD); In silico analysis indicates that this missense variant does not alter protein structure/function; This variant is associated with the following publications: (PMID: 24728327, 25186627, 35534704, 35980532)

Myriad Genetics, Inc.
Classification: Likely benign for Familial cancer of breast. Last evaluated: 2024-05-20. Review status: criteria provided, single submitter. Criteria: Myriad Autosomal Dominant, Autosomal Recessive and X-Linked Classification Criteria (2023). Collection method: clinical testing. Allele origin: unknown.
Comment: This variant is considered likely benign. This variant is strongly associated with less severe personal and family histories of cancer, typical for individuals without pathogenic variants in this gene [PMID: 25085752].

Department of Pathology and Laboratory Medicine, Sinai Health System
Classification: Uncertain significance for Familial cancer of breast. Last evaluated: 2024-02-27. Review status: criteria provided, single submitter. Criteria: ACMG Guidelines, 2015. Collection method: clinical testing. Allele origin: germline. Affected: yes.

Baylor Genetics
Classification: Uncertain significance for Familial cancer of breast. Last evaluated: 2023-10-17. Review status: criteria provided, single submitter. Criteria: ACMG Guidelines, 2015. Collection method: clinical testing. Allele origin: unknown.

Mendelics
Classification: Uncertain significance for Ataxia-telangiectasia syndrome. Last evaluated: 2019-05-28. Review status: criteria provided, single submitter. Criteria: Mendelics Assertion Criteria 2017. Collection method: clinical testing. Allele origin: unknown.

Genetic Services Laboratory, University of Chicago
Classification: Uncertain significance. Last evaluated: 2018-07-20. Review status: criteria provided, single submitter. Criteria: ACMG Guidelines, 2015. Collection method: clinical testing. Allele origin: germline. Affected: no.

Natera, Inc.
Classification: Uncertain significance for Ataxia-telangiectasia. Last evaluated: 2020-09-16. Review status: no assertion criteria provided. Collection method: clinical testing. Allele origin: germline. Not counted in ClinVar's aggregate classification.

Counsyl
Classification: Uncertain significance for Ataxia-telangiectasia syndrome. Last evaluated: 2017-12-07. Review status: no assertion criteria provided. Collection method: clinical testing. Allele origin: unknown. Not counted in ClinVar's aggregate classification.

ITMI
No classification provided. Condition: AllHighlyPenetrant. Last evaluated: 2013-09-19. Review status: no classification provided. Collection method: reference population. Allele origin: germline. Not counted in ClinVar's aggregate classification.
Comment: Please see associated publication for description of ethnicities

Literature cited by the submitters: PubMed 25186627 (cited by 4 submitters); PubMed 35534704 (cited by Labcorp Genetics (formerly Invitae), Labcorp); PubMed 35980532 (cited by Labcorp Genetics (formerly Invitae), Labcorp); PubMed 24728327 (cited by 3 submitters); PubMed 25085752 (cited by Myriad Genetics, Inc.).